The following is an entry in ClinVar:

ClinVar aggregate classification (germline): Uncertain significance (1 of 4 stars; one submission).

gnomAD v4.1: 16 of 1,551,134 alleles (0.001%); highest among the groups gnomAD compares: Non-Finnish European, 0.0014%; no homozygotes.

Submission:

Labcorp Genetics (formerly Invitae), Labcorp
Classification: Uncertain significance. Last evaluated: 2024-04-10. Review status: criteria provided, single submitter. Criteria: Invitae Variant Classification Sherloc (09022015). Collection method: clinical testing. Allele origin: germline.
Comment: This sequence change replaces aspartic acid, which is acidic and polar, with asparagine, which is neutral and polar, at codon 781 of the ZSWIM6 protein (p.Asp781Asn). The frequency data for this variant in the population databases is considered unreliable, as metrics indicate poor data quality at this position in the gnomAD database. This variant has not been reported in the literature in individuals affected with ZSWIM6-related conditions. Advanced modeling of protein sequence and biophysical properties (such as structural, functional, and spatial information, amino acid conservation, physicochemical variation, residue mobility, and thermodynamic stability) performed at Invitae indicates that this missense variant is not expected to disrupt ZSWIM6 protein function with a negative predictive value of 80%. In summary, the available evidence is currently insufficient to determine the role of this variant in disease. Therefore, it has been classified as a Variant of Uncertain Significance.

NM_020928.2(ZSWIM6):c.2341G>A (p.Asp781Asn)

Gene: ZSWIM6 (zinc finger SWIM-type containing 6; plus strand). Cytogenetic location: 5q12.1.
Variant type: single nucleotide variant.
Coding change: c.2341G>A on transcript NM_020928.2 (MANE Select); coding-DNA position 2341, G replaced by A.
Protein change: p.Asp781Asn; replaces aspartic acid 781 with asparagine.
Molecular consequence: missense variant.
Genome position (GRCh38, 1-based): chr5:61,535,579, G>A. VCF-style: chr5-61535579-G-A. GRCh37 (hg19) VCF-style: chr5-60831406-G-A.
Other names: short protein forms D781N.
Identifiers: ClinVar variation 3624518 (VCV003624518.2).
Genomic context (GRCh38, chr5:61,535,579, plus strand): 5'-CGGGAGAGCGTTCCAATGCACACATTTGCCAAGTATCTCTTCACCTCTCTCCTACCTCAC[G>A]ATGCTGAATTGGCATACAAAATTGCACTGAGAGCAATGCGGTATGTATTCACAGCCCAGC-3'
Protein context (NP_065979.1, residues 771-791): KYLFTSLLPH[Asp781Asn]AELAYKIALR